The following is an entry in ClinVar:

NM_012082.4(ZFPM2):c.1450G>A (p.Val484Ile)

Genes: ZFPM2 (zinc finger protein, FOG family member 2; plus strand), ZFPM2-AS1 (ZFPM2 antisense RNA 1; minus strand). Cytogenetic location: 8q23.1.
Variant type: single nucleotide variant.
Coding change: c.1450G>A on transcript NM_012082.4 (MANE Select); coding-DNA position 1450, G replaced by A.
Protein change: p.Val484Ile; replaces valine 484 with isoleucine.
Molecular consequence: missense variant.
Genome position (GRCh38, 1-based): chr8:105,801,532, G>A. VCF-style: chr8-105801532-G-A. GRCh37 (hg19) VCF-style: chr8-106813760-G-A.
Other names: c.1291G>A, p.Val431Ile (NM_001362836.2); c.1054G>A, p.Val352Ile (NM_001362837.2); short protein forms V352I, V431I, V484I.
Identifiers: ClinVar variation 1318639 (VCV001318639.3), dbSNP rs2131177635, ClinGen allele CA371950660.
Genomic context (GRCh38, chr8:105,801,532, plus strand): 5'-AGCTTTTCTTACACAAAAATAAAGTCTGAGCCCTCTAGCCCAAGACTTGCCTCATCTCCA[G>A]TTCAGCCTAATATTGGGCCTTCTTTCCCTGTGGGCCCTTTCCTATCTCAGTTTTCTTTCC-3'
Protein context (NP_036214.2, residues 474-494): PSSPRLASSP[Val484Ile]QPNIGPSFPV

ClinVar aggregate classification (germline): Uncertain significance. Review status: criteria provided, multiple submitters, no conflicts (2 of 4 stars). 2 submissions from 2 submitters: Uncertain significance (2). Last evaluated 2025-11-08.

Conditions:
Inborn genetic diseases. Identifiers: MedGen C0950123, MeSH D030342.

gnomAD v4.1: 1 of 1,613,914 alleles (0.000062%); highest among the groups gnomAD compares: Non-Finnish European, 0.000085%; no homozygotes.

Submissions (2):

Ambry Genetics
Classification: Uncertain significance for Inborn genetic diseases. Last evaluated: 2025-11-08. Review status: criteria provided, single submitter. Criteria: Ambry Variant Classification Scheme 2023. Collection method: clinical testing. Allele origin: germline.

GeneDx
Classification: Uncertain significance. Last evaluated: 2019-09-26. Review status: criteria provided, single submitter. Criteria: GeneDx Variant Classification Process June 2021. Collection method: clinical testing. Allele origin: germline. Affected: yes.
Comment: Not observed in large population cohorts (Lek et al., 2016); In silico analysis, which includes protein predictors and evolutionary conservation, supports that this variant does not alter protein structure/function; Has not been previously published as pathogenic or benign to our knowledge